The following is an entry in ClinVar:

ClinVar aggregate classification (germline): Uncertain significance (1 of 4 stars; one submission).

Submission:

Labcorp Genetics (formerly Invitae), Labcorp
Classification: Uncertain significance. Last evaluated: 2024-10-23. Review status: criteria provided, single submitter. Criteria: Invitae Variant Classification Sherloc (09022015). Collection method: clinical testing. Allele origin: germline.
Comment: This sequence change replaces arginine, which is basic and polar, with leucine, which is neutral and non-polar, at codon 665 of the ANKZF1 protein (p.Arg665Leu). This variant is not present in population databases (gnomAD no frequency). This variant has not been reported in the literature in individuals affected with ANKZF1-related conditions. ClinVar contains an entry for this variant (Variation ID: 2128907). An algorithm developed to predict the effect of missense changes on protein structure and function (PolyPhen-2) suggests that this variant is likely to be disruptive. In summary, the available evidence is currently insufficient to determine the role of this variant in disease. Therefore, it has been classified as a Variant of Uncertain Significance.

NM_018089.3(ANKZF1):c.1994G>T (p.Arg665Leu)

Gene: ANKZF1 (ankyrin repeat and zinc finger peptidyl tRNA hydrolase 1; plus strand). Cytogenetic location: 2q35.
Variant type: single nucleotide variant.
Coding change: c.1994G>T on transcript NM_018089.3 (MANE Select); coding-DNA position 1994, G replaced by T.
Protein change: p.Arg665Leu; replaces arginine 665 with leucine.
Molecular consequence: missense variant.
Genome position (GRCh38, 1-based): chr2:219,236,032, G>T. VCF-style: chr2-219236032-G-T. GRCh37 (hg19) VCF-style: chr2-220100754-G-T.
Other names: c.1994G>T, p.Arg665Leu (NM_001042410.2); c.1364G>T, p.Arg455Leu (NM_001282792.2); short protein forms R455L, R665L.
Identifiers: ClinVar variation 2128907 (VCV002128907.4), dbSNP rs535371346, ClinGen allele CA350688601.